The following is an entry in ClinVar:

NM_020812.4(DOCK6):c.4671C>A (p.Asn1557Lys)

Genes: DOCK6 (dedicator of cytokinesis 6; minus strand), DOCK6-AS1 (DOCK6 antisense RNA 1; plus strand). Cytogenetic location: 19p13.2.
Variant type: single nucleotide variant.
Coding change: c.4671C>A on transcript NM_020812.4 (MANE Select); coding-DNA position 4671, C replaced by A.
Protein change: p.Asn1557Lys; replaces asparagine 1557 with lysine.
Molecular consequence: missense variant.
Genome position (GRCh38, 1-based): chr19:11,211,856, G>T on the plus strand (C>A on the coding strand, the complement: DOCK6 is on the minus strand). VCF-style: chr19-11211856-G-T. GRCh37 (hg19) VCF-style: chr19-11322532-G-T.
Other names: c.4776C>A, p.Asn1592Lys (NM_001367830.1); c.4671C>A (NM_020812.2); short protein forms N1557K, N1592K.
Identifiers: ClinVar variation 975215 (VCV000975215.3), dbSNP rs1356611309, ClinGen allele CA404079541.

ClinVar aggregate classification (germline): Uncertain significance. Review status: criteria provided, multiple submitters, no conflicts (2 of 4 stars). 3 submissions from 3 submitters: Uncertain significance (2). 1 of the submissions does not count toward it. Last evaluated 2024-06-03.

Conditions:
Intellectual disability. Also called: intellectual disabilities; Intellectual developmental disorder; Intellectual functioning disability. Identifiers: MedGen C3714756, MeSH D008607, MONDO:0001071, HP:0001249.
Inborn genetic diseases. Identifiers: MedGen C0950123, MeSH D030342.

Allele frequency attached by ClinVar (database versions not stated): gnomAD exomes 0.00002; TOPMed 0.00002; gnomAD 0.00003.

Submissions (3):

GeneDx
Classification: Uncertain significance. Last evaluated: 2024-06-03. Review status: criteria provided, single submitter. Criteria: GeneDx Variant Classification Process June 2021. Collection method: clinical testing. Allele origin: germline. Affected: yes.
Comment: In silico analysis supports that this missense variant has a deleterious effect on protein structure/function; Has not been previously published as pathogenic or benign to our knowledge

Ambry Genetics
Classification: Uncertain significance for Inborn genetic diseases. Last evaluated: 2024-05-21. Review status: criteria provided, single submitter. Criteria: Ambry Variant Classification Scheme 2023. Collection method: clinical testing. Allele origin: germline.

Centre de Biologie Pathologie Génétique, Centre Hospitalier Universitaire de Lille
Classification: Likely benign for Intellectual disability. Last evaluated: 2019-01-01. Review status: no assertion criteria provided. Collection method: clinical testing. Allele origin: inherited. Affected: yes. Not counted in ClinVar's aggregate classification.